The following is an entry in ClinVar:

ClinVar aggregate classification (germline): Uncertain significance. Review status: criteria provided, multiple submitters, no conflicts (2 of 4 stars). 3 submissions from 3 submitters: Uncertain significance (3). Last evaluated 2025-02-12.

Conditions:
Ataxia-telangiectasia syndrome (AT). Also called: ATAXIA-TELANGIECTASIA, COMPLEMENTATION GROUP A; ATAXIA-TELANGIECTASIA, FRESNO VARIANT; Ataxia-telangiectasia; Ataxia-telangiectasia, complementation group D; AT, COMPLEMENTATION GROUP C; Ataxia-telangiectasia, complementation group E. Identifiers: Orphanet 100, MedGen C0004135, MONDO:0008840, OMIM 208900.
Hereditary cancer-predisposing syndrome. Also called: Neoplastic Syndromes, Hereditary; Tumor predisposition; Hereditary Cancer Syndrome; Hereditary neoplastic syndrome. Identifiers: Orphanet 140162, MedGen C0027672, MeSH D009386, MONDO:0015356.

Submissions (3):

Labcorp Genetics (formerly Invitae), Labcorp
Classification: Uncertain significance for Ataxia-telangiectasia syndrome. Last evaluated: 2025-02-12. Review status: criteria provided, single submitter. Criteria: Invitae Variant Classification Sherloc (09022015). Collection method: clinical testing. Allele origin: germline.
Comment: This sequence change replaces leucine, which is neutral and non-polar, with proline, which is neutral and non-polar, at codon 1050 of the ATM protein (p.Leu1050Pro). This variant is not present in population databases (gnomAD no frequency). This missense change has been observed in individual(s) with breast cancer (PMID: 35585550). ClinVar contains an entry for this variant (Variation ID: 524360). Invitae Evidence Modeling of protein sequence and biophysical properties (such as structural, functional, and spatial information, amino acid conservation, physicochemical variation, residue mobility, and thermodynamic stability) has been performed for this missense variant. However, the output from this modeling did not meet the statistical confidence thresholds required to predict the impact of this variant on ATM protein function. In summary, the available evidence is currently insufficient to determine the role of this variant in disease. Therefore, it has been classified as a Variant of Uncertain Significance.

Quest Diagnostics Nichols Institute San Juan Capistrano
Classification: Uncertain significance. Last evaluated: 2024-11-19. Review status: criteria provided, single submitter. Criteria: Quest Diagnostics criteria. Collection method: clinical testing. Allele origin: unknown.
Comment: The ATM c.3149T>C (p.Leu1050Pro) variant has been reported in affected individuals with breast cancer in large case-control studies (PMIDs: 33471991 (2021) and 35585550 (2022)). This variant has not been reported in large, multi-ethnic general populations (Genome Aggregation Database). Analysis of this variant using bioinformatics tools for the prediction of the effect of amino acid changes on protein structure and function yielded predictions that this variant is damaging. Based on the available information, we are unable to determine the clinical significance of this variant.

Ambry Genetics
Classification: Uncertain significance for Hereditary cancer-predisposing syndrome. Last evaluated: 2024-07-01. Review status: criteria provided, single submitter. Criteria: Ambry Variant Classification Scheme 2023. Collection method: clinical testing. Allele origin: germline.
Comment: The p.L1050P variant (also known as c.3149T>C), located in coding exon 20 of the ATM gene, results from a T to C substitution at nucleotide position 3149. The leucine at codon 1050 is replaced by proline, an amino acid with similar properties. This amino acid position is conserved. In addition, this alteration is predicted to be deleterious by in silico analysis. Based on the available evidence, the clinical significance of this variant remains unclear.

Literature cited by the submitters: PubMed 35585550 (cited by Labcorp Genetics (formerly Invitae), Labcorp and Quest Diagnostics Nichols Institute San Juan Capistrano); PubMed 33471991 (cited by Quest Diagnostics Nichols Institute San Juan Capistrano).

NM_000051.4(ATM):c.3149T>C (p.Leu1050Pro)

Gene: ATM (ATM serine/threonine kinase; plus strand). Cytogenetic location: 11q22.3.
Variant type: single nucleotide variant.
Coding change: c.3149T>C on transcript NM_000051.4 (MANE Select); coding-DNA position 3149, T replaced by C.
Protein change: p.Leu1050Pro; replaces leucine 1050 with proline.
Molecular consequence: missense variant.
Genome position (GRCh38, 1-based): chr11:108,272,603, T>C. VCF-style: chr11-108272603-T-C. GRCh37 (hg19) VCF-style: chr11-108143330-T-C.
Other names: c.3149T>C, p.Leu1050Pro (NM_001351834.2); short protein forms L1050P.
Identifiers: ClinVar variation 524360 (VCV000524360.11), dbSNP rs1555085890, ClinGen allele CA382515383.